The following is an entry in ClinVar:

ClinVar aggregate classification (germline): Pathogenic/Likely pathogenic. Review status: criteria provided, multiple submitters, no conflicts (2 of 4 stars). 5 submissions from 5 submitters: Pathogenic (4); Likely pathogenic (1). Last evaluated 2026-01-02.

Conditions:
Glucose-6-phosphate transport defect (GSD1B). Also called: GSD Ib; Glycogen Storage Disease Type Ib. Identifiers: Orphanet 364, Orphanet 79259, MedGen C0268146, MONDO:0009288, OMIM 232220.

Submissions (5):

Labcorp Genetics (formerly Invitae), Labcorp
Classification: Pathogenic for Glucose-6-phosphate transport defect. Last evaluated: 2026-01-02. Review status: criteria provided, single submitter. Criteria: Invitae Variant Classification Sherloc (09022015). Collection method: clinical testing. Allele origin: germline.
Comment: This sequence change creates a premature translational stop signal (p.Ser57Leufs*16) in the SLC37A4 gene. It is expected to result in an absent or disrupted protein product. Loss-of-function variants in SLC37A4 are known to be pathogenic (PMID: 9758626, 10940311). This variant is present in population databases (rs782501672, gnomAD 0.02%). This premature translational stop signal has been observed in individual(s) with clinical features of SLC37A4-related conditions (internal data). ClinVar contains an entry for this variant (Variation ID: 651195). For these reasons, this variant has been classified as Pathogenic.

Natera, Inc.
Classification: Pathogenic for Glycogen storage disease type Ib. Last evaluated: 2025-04-14. Review status: criteria provided, single submitter. Criteria: Natera Variant Classification Schema (03/2026). Collection method: clinical testing. Allele origin: germline.
Comment: The c.169_175delTCGGCAG variant in SLC37A4 is a frameshift variant predicted to shift the reading frame beginning at codon 57 and leads to a stop codon 16 codons downstream. This variant is expected to result in nonsense mediated decay, truncation, or a dysfunctional protein product. This variant is rare in the general population with a frequency below the threshold expected for the associated phenotype(s). This variant has been observed in one or more individuals affected with the associated recessive disease, as either homozygous or compound heterozygous with a second variant (PMID: 34989216). Given the available evidence, this variant is classified as Pathogenic.

Baylor Genetics
Classification: Pathogenic for Glucose-6-phosphate transport defect. Last evaluated: 2023-11-19. Review status: criteria provided, single submitter. Criteria: ACMG Guidelines, 2015. Collection method: clinical testing. Allele origin: unknown.

Neuberg Centre For Genomic Medicine, NCGM
Classification: Likely pathogenic for Glucose-6-phosphate transport defect. Last evaluated: 2023-05-20. Review status: criteria provided, single submitter. Criteria: ACMG Guidelines, 2015. Collection method: clinical testing. Allele origin: germline. Inheritance: Autosomal recessive inheritance. Affected: yes.
Comment: The observed frameshift variant c.169_175del(p.Ser57LeufsTer16) in SLC37A4 gene has not been reported previously as a pathogenic variant nor as a benign variant, to our knowledge. The c.169_175del variant has 0.002% allele frequency in gnomAD Exomes. This variant has been submitted to the ClinVar database as Pathogenic. However, study on multiple affected individuals and functional impact of the variant is not available. This variant causes a frameshift starting with codon Serine 57, changes this amino acid to Leucine residue, and creates a premature Stop codon at position 16 of the new reading frame, denoted p.Ser57LeufsTer16. This variant is predicted to cause loss of normal protein function through protein truncation. Loss of function variants have been previously reported to be disease causing (Chen LY, et al., 2000). For these reasons, this variant has been classified as Likely Pathogenic.

CENTOGENE GmbH and LLC - Guiding Precision Medicine
Classification: Pathogenic for Glycogen storage disease type 1B. Review status: criteria provided, single submitter. Criteria: ACMG Guidelines, 2015. Collection method: clinical testing. Allele origin: germline. Affected: yes.

Literature cited by the submitters: PubMed 9758626 (cited by Labcorp Genetics (formerly Invitae), Labcorp); PubMed 10940311 (cited by Labcorp Genetics (formerly Invitae), Labcorp); PubMed 34989216 (cited by Natera, Inc.).

NM_001164277.2(SLC37A4):c.169_175del (p.Ser57fs)

Gene: SLC37A4 (solute carrier family 37 member 4; minus strand). Cytogenetic location: 11q23.3.
Variant type: Deletion.
Coding change: c.169_175del on transcript NM_001164277.2 (MANE Select); coding-DNA positions 169 to 175, 7 bases deleted (TCGGCAG; older notation c.169_175delTCGGCAG).
Protein change: p.Ser57fs; shifts the reading frame from serine 57.
Molecular consequence: frameshift variant. On other transcripts: 5 prime UTR variant (1).
Genome position (GRCh38, 1-based): chr11:119,028,400-119,028,406, CTGCCGA deleted on the plus strand (TCGGCAG on the coding strand, the reverse complement: SLC37A4 is on the minus strand); deleting any 7 consecutive bases within chr11:119,028,400-119,028,409 gives the same sequence; the c. name uses the placement nearest the transcript's 3' end. VCF-style (leftmost placement, unchanged base first): chr11-119028399-GCTGCCGA-G. GRCh37 (hg19) VCF-style: chr11-118899109-GCTGCCGA-G.
Other names: c.169_175delTCGGCAG (NM_001164277.1); c.169_175del, p.Ser57fs (NM_001164278.2, NM_001164280.2, NM_001467.6); c.-51_-45del (NM_001164279.2); short protein forms S57fs.
Identifiers: ClinVar variation 651195 (VCV000651195.12), dbSNP rs782501672, ClinGen allele CA6311887.